The following is an entry in ClinVar:

ClinVar aggregate classification (germline): Conflicting classifications of pathogenicity. Review status: criteria provided, conflicting classifications (1 of 4 stars). 9 submissions from 9 submitters: Uncertain significance (2); Likely benign (6). 1 of the submissions does not count toward it. Last evaluated 2026-08-07.

Conditions:
Ehlers-Danlos syndrome, classic type (cEDS). Identifiers: Orphanet 287, MedGen C4225429, MONDO:0007522.
Ehlers-Danlos syndrome, classic type, 1 (EDSCL1). Also called: Ehlers-Danlos syndrome, type 1; EHLERS-DANLOS SYNDROME, GRAVIS TYPE; EHLERS-DANLOS SYNDROME, SEVERE CLASSIC TYPE; Ehlers-Danlos Syndrome, Classic Type, COL5A1-Related; EDS I. Identifiers: MedGen C0268335, MONDO:0019567, OMIM 130000.
Familial thoracic aortic aneurysm and aortic dissection (TAAD). Also called: Thoracic aortic aneurysms and dissections. Identifiers: Orphanet 91387, MedGen C4707243, MONDO:0019625.
COL5A1-related disorder. Also called: COL5A1-related condition.

Allele frequency attached by ClinVar (database versions not stated): 1000 Genomes Project 0.00020; TOPMed 0.00020; 1000 Genomes Project 30x 0.00031; ESP Exome Variant Server 0.00031.
gnomAD v4.1: 404 of 1,613,436 alleles (0.025%); highest among the groups gnomAD compares: Admixed American, 0.028%; no homozygotes.

Submissions (9):

GeneDx
Classification: Uncertain significance. Last evaluated: 2026-08-07. Review status: criteria provided, single submitter. Criteria: GeneDx Variant Classification Process June 2021. Collection method: clinical testing. Allele origin: germline.
Comment: Has not been previously published as pathogenic or benign to our knowledge; Occurs in the triple helical domain at the Y position in the canonical Gly-X-Y repeat; although this variant may have an effect on normal protein folding and function, missense substitution at the Y position is not a common mechanism of disease (PMID: 22696272; HGMD); In silico analysis suggests that this missense variant does not alter protein structure/function; This variant is associated with the following publications: (PMID: 22696272)

Labcorp Genetics (formerly Invitae), Labcorp
Classification: Likely benign for Ehlers-Danlos syndrome, classic type, 1. Last evaluated: 2026-01-19. Review status: criteria provided, single submitter. Criteria: Invitae Variant Classification Sherloc (09022015). Collection method: clinical testing. Allele origin: germline.

Mayo Clinic Laboratories, Mayo Clinic
Classification: Likely benign. Last evaluated: 2025-07-17. Review status: criteria provided, single submitter. Criteria: ACMG Guidelines, 2015. Collection method: clinical testing. Allele origin: germline. Observed: 7 variant alleles.
Comment: BS1, BP4

Women's Health and Genetics/Laboratory Corporation of America, LabCorp
Classification: Likely benign. Last evaluated: 2024-11-11. Review status: criteria provided, single submitter. Criteria: LabCorp Variant Classification Summary - May 2015. Collection method: clinical testing. Allele origin: germline.
Comment: Variant summary: COL5A1 c.2555A>G (p.Asn852Ser) results in a conservative amino acid change in the encoded protein sequence. Five of five in-silico tools predict a benign effect of the variant on protein function. The variant allele was found at a frequency of 0.00038 in 249974 control chromosomes, predominantly at a frequency of 0.00066 within the Non-Finnish European subpopulation in the gnomAD database. The observed variant frequency within Non-Finnish European control individuals in the gnomAD database is approximately 21.12 fold of the estimated maximal expected allele frequency for a pathogenic variant in COL5A1 causing Ehlers-Danlos Syndrome phenotype (3.1e-05). c.2555A>G has not been reported in the literature in individuals affected with Ehlers-Danlos Syndrome. To our knowledge, no experimental evidence demonstrating an impact on protein function has been reported. ClinVar contains an entry for this variant (Variation ID: 365717). Based on the evidence outlined above, the variant was classified as likely benign.

Blueprint Genetics
Classification: Likely benign. Last evaluated: 2024-09-17. Review status: criteria provided, single submitter. Criteria: ACMG Guidelines, 2015. Collection method: clinical testing. Allele origin: germline.

Center for Genomics, Ann and Robert H. Lurie Children's Hospital of Chicago
Classification: Uncertain significance for Ehlers-Danlos syndrome, classic type, 1. Last evaluated: 2022-01-05. Review status: criteria provided, single submitter. Criteria: ACMG Guidelines, 2015. Collection method: clinical testing. Allele origin: germline.
Comment: COL5A1 NM_000093.3 exon 30 p.Asn852Ser (c.2555A>G): This variant has not been reported in the literature but is present in 0.05% (7/15292) of Latino alleles in the Genome Aggregation Database. This variant is present in ClinVar, with classifications ranging from likely benign to Uncertain significance (Variation ID:365717). Evolutionary conservation and computational predictive tools suggest that this variant may not impact the protein. In summary, data on this variant is insufficient for disease classification. Therefore, the clinical significance of this variant is uncertain.

Ambry Genetics
Classification: Likely benign for Familial thoracic aortic aneurysm and aortic dissection. Last evaluated: 2018-03-19. Review status: criteria provided, single submitter. Criteria: Ambry Variant Classification Scheme 2023. Collection method: clinical testing. Allele origin: germline.

Illumina Laboratory Services, Illumina
Classification: Likely benign for Ehlers-Danlos syndrome, classic type, 1. Last evaluated: 2018-01-12. Review status: criteria provided, single submitter. Criteria: ICSL Variant Classification Criteria 13 December 2019. Collection method: clinical testing. Allele origin: germline.
Comment: This variant was observed in the ICSL laboratory as part of a predisposition screen in an ostensibly healthy population. It had not been previously curated by ICSL or reported in the Human Gene Mutation Database (HGMD: prior to June 1st, 2018), and was therefore a candidate for classification through an automated scoring system. Utilizing variant allele frequency, disease prevalence and penetrance estimates, and inheritance mode, an automated score was calculated to assess if this variant is too frequent to cause the disease. Based on the score and internal cut-off values, a variant classified as likely benign is not then subjected to further curation. The score for this variant resulted in a classification of likely benign for this disease.

PreventionGenetics, part of Exact Sciences
Classification: Likely benign for COL5A1-related condition. Last evaluated: 2022-12-20. Review status: no assertion criteria provided. Collection method: clinical testing. Allele origin: germline. Not counted in ClinVar's aggregate classification.
Comment: This variant is classified as likely benign based on ACMG/AMP sequence variant interpretation guidelines (Richards et al. 2015 PMID: 25741868, with internal and published modifications).

Literature cited by the submitters: PubMed 33737726 (cited by Women's Health and Genetics/Laboratory Corporation of America, LabCorp).

NM_000093.5(COL5A1):c.2555A>G (p.Asn852Ser)

Gene: COL5A1 (collagen type V alpha 1 chain; plus strand). Cytogenetic location: 9q34.3.
Variant type: single nucleotide variant.
Coding change: c.2555A>G on transcript NM_000093.5 (MANE Select); coding-DNA position 2555, A replaced by G.
Protein change: p.Asn852Ser; replaces asparagine 852 with serine.
Molecular consequence: missense variant.
Genome position (GRCh38, 1-based): chr9:134,785,059, A>G. VCF-style: chr9-134785059-A-G. GRCh37 (hg19) VCF-style: chr9-137676905-A-G.
Other names: p.Asn852Ser; c.2555A>G, p.Asn852Ser (NM_001278074.1); c.2555A>G (NM_000093.3); short protein forms N852S.
Identifiers: ClinVar variation 365717 (VCV000365717.28), dbSNP rs148146480, ClinGen allele CA5319449.